The following is an entry in ClinVar:

ClinVar aggregate classification (germline): Uncertain significance (1 of 4 stars; one submission).

Submission:

GeneDx
Classification: Uncertain significance. Last evaluated: 2022-07-01. Review status: criteria provided, single submitter. Criteria: GeneDx Variant Classification Process June 2021. Collection method: clinical testing. Allele origin: germline. Affected: yes.
Comment: Frameshift variant predicted to result in protein elongation, as the last 6 amino acids are replaced with 144 different amino acids; Has not been previously published as pathogenic or benign to our knowledge; Not observed at significant frequency in large population cohorts (gnomAD); This variant is associated with the following publications: (PMID: 16227997)

NM_001005361.3(DNM2):c.2593_*3del (p.Glu865_Ter871del)

Gene: DNM2 (dynamin 2; plus strand). Cytogenetic location: 19p13.2.
Variant type: Deletion.
Coding change: c.2593_*3del on transcript NM_001005361.3 (MANE Select); coding-DNA position 2593 through 3 bases downstream of the stop codon, 24 bases deleted (GAGCCATCCCTGCTCGACTAGGCC).
Protein change: p.Glu865_Ter871del.
Molecular consequence: stop lost, inframe deletion.
Genome position (GRCh38, 1-based): chr19:10,831,027-10,831,050, GAGCCATCCCTGCTCGACTAGGCC deleted; deleting any 24 consecutive bases within chr19:10,831,024-10,831,050 gives the same sequence; the c. name uses the placement nearest the transcript's 3' end. VCF-style (leftmost placement, unchanged base first): chr19-10831023-AGCCGAGCCATCCCTGCTCGACTAG-A. GRCh37 (hg19) VCF-style: chr19-10941699-AGCCGAGCCATCCCTGCTCGACTAG-A.
Other names: c.2593_*3del, p.Glu865_Ter871del (NM_001005360.3); c.2581_*3del, p.Glu861_Ter867del (NM_001005362.3, NM_004945.4); c.2590_*3del, p.Glu864_Ter870del (NM_001190716.2).
Identifiers: ClinVar variation 1810134 (VCV001810134.1), dbSNP rs2513383258, ClinGen allele CA2580096239.